The following is an entry in ClinVar:

ClinVar aggregate classification (germline): Uncertain significance (1 of 4 stars; one submission).

Allele frequency attached by ClinVar (database versions not stated): gnomAD exomes below 0.00001; ExAC 0.00001; ESP Exome Variant Server 0.00008.
gnomAD v4.1: 1 of 1,520,256 alleles (0.000066%); highest among the groups gnomAD compares: Non-Finnish European, 0.000091%; no homozygotes.

Submission:

Ambry Genetics
Classification: Uncertain significance. Last evaluated: 2021-11-22. Review status: criteria provided, single submitter. Criteria: Ambry Variant Classification Scheme 2023. Collection method: clinical testing. Allele origin: germline.
Comment: The p.T488A variant (also known as c.1462A>G), located in coding exon 9 of the POLQ gene, results from an A to G substitution at nucleotide position 1462. The threonine at codon 488 is replaced by alanine, an amino acid with similar properties. This amino acid position is conserved. In addition, the in silico prediction for this alteration is inconclusive. Since supporting evidence is limited at this time, the clinical significance of this alteration remains unclear.

NM_199420.4(POLQ):c.1462A>G (p.Thr488Ala)

Gene: POLQ (DNA polymerase theta; minus strand). Cytogenetic location: 3q13.33.
Variant type: single nucleotide variant.
Coding change: c.1462A>G on transcript NM_199420.4 (MANE Select); coding-DNA position 1462, A replaced by G.
Protein change: p.Thr488Ala; replaces threonine 488 with alanine.
Molecular consequence: missense variant.
Genome position (GRCh38, 1-based): chr3:121,519,877, T>C on the plus strand (A>G on the coding strand, the complement: POLQ is on the minus strand). VCF-style: chr3-121519877-T-C. GRCh37 (hg19) VCF-style: chr3-121238724-T-C.
Other names: short protein forms T488A.
Identifiers: ClinVar variation 1773178 (VCV001773178.2), dbSNP rs368277304, ClinGen allele CA2563535.